The following is an entry in ClinVar:

NM_006904.7(PRKDC):c.4788T>C (p.Val1596=)

Gene: PRKDC (protein kinase, DNA-activated, catalytic subunit; minus strand). Cytogenetic location: 8q11.21.
Variant type: single nucleotide variant.
Coding change: c.4788T>C on transcript NM_006904.7 (MANE Select); coding-DNA position 4788, T replaced by C.
Protein change: p.Val1596=; no amino-acid change (valine 1596 retained).
Molecular consequence: synonymous variant.
Genome position (GRCh38, 1-based): chr8:47,882,086, A>G on the plus strand (T>C on the coding strand, the complement: PRKDC is on the minus strand). VCF-style: chr8-47882086-A-G. GRCh37 (hg19) VCF-style: chr8-48794647-A-G.
Other names: c.4788T>C, p.Val1596= (NM_001081640.2).
Identifiers: ClinVar variation 1743077 (VCV001743077.3), dbSNP rs2551872738, ClinGen allele CA460602034.

ClinVar aggregate classification (germline): Likely benign. Review status: criteria provided, multiple submitters, no conflicts (2 of 4 stars). 2 submissions from 2 submitters: Likely benign (2). Last evaluated 2022-03-01.

Conditions:
PRKDC-related disorder. Also called: PRKDC-related condition.

Submissions (2):

Ambry Genetics
Classification: Likely benign. Last evaluated: 2022-03-01. Review status: criteria provided, single submitter. Criteria: Ambry Variant Classification Scheme 2023. Collection method: clinical testing. Allele origin: germline.

PreventionGenetics, part of Exact Sciences
Classification: Likely benign for PRKDC-related condition. Last evaluated: 2020-02-26. Review status: criteria provided, single submitter. Criteria: ACMG Guidelines, 2015. Collection method: clinical testing. Allele origin: germline.
Comment: This variant is classified as likely benign based on ACMG/AMP sequence variant interpretation guidelines (Richards et al. 2015 PMID: 25741868, with internal and published modifications).